The following is an entry in ClinVar:

NM_032444.4(SLX4):c.4055C>G (p.Pro1352Arg)

Gene: SLX4 (SLX4 structure-specific endonuclease subunit; minus strand). Cytogenetic location: 16p13.3.
Variant type: single nucleotide variant.
Coding change: c.4055C>G on transcript NM_032444.4 (MANE Select); coding-DNA position 4055, C replaced by G.
Protein change: p.Pro1352Arg; replaces proline 1352 with arginine.
Molecular consequence: missense variant.
Genome position (GRCh38, 1-based): chr16:3,589,583, G>C on the plus strand (C>G on the coding strand, the complement: SLX4 is on the minus strand). VCF-style: chr16-3589583-G-C. GRCh37 (hg19) VCF-style: chr16-3639584-G-C.
Other names: short protein forms P1352R.
Identifiers: ClinVar variation 2180336 (VCV002180336.4), dbSNP rs144720266, ClinGen allele CA394518511.

ClinVar aggregate classification (germline): Uncertain significance (1 of 4 stars; one submission).

Conditions:
Fanconi anemia (FA). Also called: Fanconi's anemia. Identifiers: Orphanet 84, MedGen C0015625, MeSH D005199, MONDO:0019391.

Submission:

Labcorp Genetics (formerly Invitae), Labcorp
Classification: Uncertain significance for Fanconi anemia. Last evaluated: 2022-05-17. Review status: criteria provided, single submitter. Criteria: Invitae Variant Classification Sherloc (09022015). Collection method: clinical testing. Allele origin: germline.
Comment: This variant is not present in population databases (gnomAD no frequency). This sequence change replaces proline, which is neutral and non-polar, with arginine, which is basic and polar, at codon 1352 of the SLX4 protein (p.Pro1352Arg). This variant has not been reported in the literature in individuals affected with SLX4-related conditions. In summary, the available evidence is currently insufficient to determine the role of this variant in disease. Therefore, it has been classified as a Variant of Uncertain Significance. Algorithms developed to predict the effect of missense changes on protein structure and function output the following: SIFT: "Tolerated"; PolyPhen-2: "Benign"; Align-GVGD: "Class C0". The arginine amino acid residue is found in multiple mammalian species, which suggests that this missense change does not adversely affect protein function.